The following is an entry in ClinVar:

NM_000038.6(APC):c.4141_4142insGGTC (p.Pro1381fs)

Gene: APC (APC regulator of Wnt signaling pathway; plus strand). Cytogenetic location: 5q22.2.
Variant type: Insertion.
Coding change: c.4141_4142insGGTC on transcript NM_000038.6 (MANE Select); coding-DNA positions 4141 to 4142, GGTC inserted.
Protein change: p.Pro1381fs; shifts the reading frame from proline 1381.
Molecular consequence: frameshift variant.
Genome position: GRCh38 VCF-style: chr5-112839734-C-CCGGT. GRCh37 (hg19) VCF-style: chr5-112175431-C-CCGGT.
Other names: c.4141_4142insGGTC, p.Pro1381fs (NM_001127510.3, NM_001354895.2); c.4087_4088insGGTC, p.Pro1363fs (NM_001127511.3); c.4195_4196insGGTC, p.Pro1399fs (NM_001354896.2); c.4171_4172insGGTC, p.Pro1391fs (NM_001354897.2); c.4066_4067insGGTC, p.Pro1356fs (NM_001354898.2); c.4057_4058insGGTC, p.Pro1353fs (NM_001354899.2); c.4018_4019insGGTC, p.Pro1340fs (NM_001354900.2); c.3964_3965insGGTC, p.Pro1322fs (NM_001354901.2); and 5 more; short protein forms P1290fs, P1356fs, P1221fs, P1363fs, P1381fs, P1391fs, P1322fs, P1340fs.
Identifiers: ClinVar variation 485143 (VCV000485143.7), dbSNP rs1554085560, ClinGen allele CA658655933.

ClinVar aggregate classification (germline): Pathogenic. Review status: criteria provided, multiple submitters, no conflicts (2 of 4 stars). 2 submissions from 2 submitters: Pathogenic (2). Last evaluated 2023-05-10.

Conditions:
Familial adenomatous polyposis 1 (FAP1). Also called: FAMILIAL ADENOMATOUS POLYPOSIS 1, ATTENUATED; POLYPOSIS, ADENOMATOUS INTESTINAL. Identifiers: MedGen C2713442, MONDO:0021056, OMIM 175100. Disease mechanism: loss of function.
Hereditary cancer-predisposing syndrome. Also called: Neoplastic Syndromes, Hereditary; Tumor predisposition; Hereditary Cancer Syndrome; Hereditary neoplastic syndrome. Identifiers: Orphanet 140162, MedGen C0027672, MeSH D009386, MONDO:0015356.

Submissions (2):

Myriad Genetics, Inc.
Classification: Pathogenic for Familial adenomatous polyposis 1. Last evaluated: 2023-05-10. Review status: criteria provided, single submitter. Criteria: Myriad Autosomal Dominant, Autosomal Recessive and X-Linked Classification Criteria (2023). Collection method: clinical testing. Allele origin: unknown.
Comment: This variant is considered pathogenic. This variant creates a frameshift predicted to result in premature protein truncation.

Ambry Genetics
Classification: Pathogenic for Hereditary cancer-predisposing syndrome. Last evaluated: 2016-11-01. Review status: criteria provided, single submitter. Criteria: Ambry Variant Classification Scheme 2023. Collection method: clinical testing. Allele origin: germline.
Comment: The c.4141_4142insGGTC pathogenic mutation (also known as p.P1381RFS*6), located in coding exon 15 of the APC gene, results from an insertion of 4 nucleotides at position 4141, causing a translational frameshift with a predicted alternate stop codon. This alteration is expected to result in loss of function by premature protein truncation. As such, this alteration is interpreted as a disease-causing mutation.